The following is an entry in ClinVar:

ClinVar aggregate classification (germline): Benign/Likely benign. Review status: criteria provided, multiple submitters, no conflicts (2 of 4 stars). 9 submissions from 7 submitters: Benign (4); Likely benign (4). 1 of the submissions does not count toward it. Last evaluated 2024-12-18.

Conditions:
Autoinflammatory syndrome. Identifiers: Orphanet 93665, MedGen C3890737, MONDO:0019751.
Familial amyloid nephropathy with urticaria AND deafness (MWS). Also called: UDA SYNDROME; URTICARIA-DEAFNESS-AMYLOIDOSIS SYNDROME; CRYOPYRIN-ASSOCIATED PERIODIC SYNDROME 2; MUCKLE-WELLS SYNDROME; Urticaria, deafness and amyloidosis. Identifiers: Orphanet 575, MedGen C0268390, MONDO:0008633, OMIM 191900.
Familial cold autoinflammatory syndrome 1 (FCAS1). Also called: Familial cold inflammatory syndrome 1; CRYOPYRIN-ASSOCIATED PERIODIC SYNDROME 1. Identifiers: Orphanet 47045, MedGen C4551895, MONDO:0007349, OMIM 120100.
Keratitis fugax hereditaria. Also called: KERATOENDOTHELIITIS FUGAX HEREDITARIA. Identifiers: Orphanet 647815, MedGen C1835697, MONDO:0007849, OMIM 148200.
Hearing loss, autosomal dominant 34, with or without inflammation. Also called: DEAFNESS, AUTOSOMAL DOMINANT 34, WITH OR WITHOUT INFLAMMATION. Identifiers: MedGen C4521680, MONDO:0033261, OMIM 617772.
Chronic infantile neurological, cutaneous and articular syndrome (CINCA). Also called: CHRONIC NEUROLOGIC CUTANEOUS AND ARTICULAR SYNDROME; CINCA syndrome; CRYOPYRIN-ASSOCIATED PERIODIC SYNDROME 3; Prieur Griscelli syndrome. Identifiers: Orphanet 1451, MedGen C0409818, MONDO:0011776, OMIM 607115.
Cryopyrin associated periodic syndrome (CAPS). Identifiers: Orphanet 208650, MedGen C2316212, MONDO:0016168.

Allele frequency attached by ClinVar (database versions not stated): ESP Exome Variant Server 0.00008; TOPMed 0.00008.
gnomAD v4.1: 184 of 1,608,010 alleles (0.011%); highest among the groups gnomAD compares: South Asian, 0.11%; 2 homozygotes.

Submissions (9):

Labcorp Genetics (formerly Invitae), Labcorp
Classification: Benign for Cryopyrin associated periodic syndrome. Last evaluated: 2024-12-18. Review status: criteria provided, single submitter. Criteria: Invitae Variant Classification Sherloc (09022015). Collection method: clinical testing. Allele origin: germline.

Blueprint Genetics
Classification: Likely benign. Last evaluated: 2024-07-18. Review status: criteria provided, single submitter. Criteria: ACMG Guidelines, 2015. Collection method: clinical testing. Allele origin: germline.

Fulgent Genetics
Classification: Likely benign for Familial cold autoinflammatory syndrome 1; Keratitis fugax hereditaria; Familial amyloid nephropathy with urticaria AND deafness; Chronic infantile neurological, cutaneous and articular syndrome; Hearing loss, autosomal dominant 34, with or without inflammation. Last evaluated: 2021-12-09. Review status: criteria provided, single submitter. Criteria: ACMG Guidelines, 2015. Collection method: clinical testing. Allele origin: unknown.

GeneDx
Classification: Likely benign. Last evaluated: 2021-01-18. Review status: criteria provided, single submitter. Criteria: GeneDx Variant Classification Process June 2021. Collection method: clinical testing. Allele origin: germline. Affected: yes.

Genome Diagnostics Laboratory, The Hospital for Sick Children
Classification: Likely benign for Autoinflammatory syndrome. Last evaluated: 2019-11-01. Review status: criteria provided, single submitter. Criteria: ACMG Guidelines, 2015. Collection method: clinical testing. Allele origin: germline. Affected: yes.

Illumina Laboratory Services, Illumina
Classification: Benign for Chronic infantile neurological, cutaneous and articular syndrome. Last evaluated: 2018-01-13. Review status: criteria provided, single submitter. Criteria: ICSL Variant Classification Criteria 13 December 2019. Collection method: clinical testing. Allele origin: germline.
Comment: This variant was observed in the ICSL laboratory as part of a predisposition screen in an ostensibly healthy population. It had not been previously curated by ICSL or reported in the Human Gene Mutation Database (HGMD: prior to June 1st, 2018), and was therefore a candidate for classification through an automated scoring system. Utilizing variant allele frequency, disease prevalence and penetrance estimates, and inheritance mode, an automated score was calculated to assess if this variant is too frequent to cause the disease. Based on the score and internal cut-off values, a variant classified as benign is not then subjected to further curation. The score for this variant resulted in a classification of benign for this disease.

Illumina Laboratory Services, Illumina
Classification: Benign for Familial amyloid nephropathy with urticaria AND deafness. Last evaluated: 2018-01-13. Review status: criteria provided, single submitter. Criteria: ICSL Variant Classification Criteria 13 December 2019. Collection method: clinical testing. Allele origin: germline.
Comment: the same text as in the submission from Illumina Laboratory Services, Illumina above.

Illumina Laboratory Services, Illumina
Classification: Benign for Familial cold autoinflammatory syndrome 1. Last evaluated: 2018-01-13. Review status: criteria provided, single submitter. Criteria: ICSL Variant Classification Criteria 13 December 2019. Collection method: clinical testing. Allele origin: germline.
Comment: the same text as in the submission from Illumina Laboratory Services, Illumina above.

Unité médicale des maladies autoinflammatoires, CHRU Montpellier
No classification provided. Condition: Familial cold urticaria. Review status: no classification provided. Collection method: not provided. Allele origin: unknown. Not counted in ClinVar's aggregate classification.
Comment: also involved in OMIM 191900 and 607115

NM_001243133.2(NLRP3):c.1374C>T (p.His458=)

Gene: NLRP3 (NLR family pyrin domain containing 3; plus strand). Cytogenetic location: 1q44.
Variant type: single nucleotide variant.
Coding change: c.1374C>T on transcript NM_001243133.2 (MANE Select); coding-DNA position 1374, C replaced by T.
Protein change: p.His458=; no amino-acid change (histidine 458 retained).
Molecular consequence: synonymous variant.
Genome position (GRCh38, 1-based): chr1:247,424,823, C>T. VCF-style: chr1-247424823-C-T. GRCh37 (hg19) VCF-style: chr1-247588125-C-T.
Other names: c.1374C>T, p.His458= (NM_001079821.3, NM_001127461.3, NM_001127462.3 and 1 more transcripts); c.1380C>T, p.His460= (NM_004895.5).
Identifiers: ClinVar variation 97929 (VCV000097929.20), dbSNP rs180177481, ClinGen allele CA281197.